The following is an entry in ClinVar:

NM_182641.4(BPTF):c.289G>A (p.Gly97Ser)

Gene: BPTF (bromodomain PHD finger transcription factor; plus strand). Cytogenetic location: 17q24.2.
Variant type: single nucleotide variant.
Coding change: c.289G>A on transcript NM_182641.4 (MANE Select); coding-DNA position 289, G replaced by A.
Protein change: p.Gly97Ser; replaces glycine 97 with serine.
Molecular consequence: missense variant.
Genome position (GRCh38, 1-based): chr17:67,826,013, G>A. VCF-style: chr17-67826013-G-A. GRCh37 (hg19) VCF-style: chr17-65822129-G-A.
Other names: c.289G>A, p.Gly97Ser (NM_004459.7); short protein forms G97S.
Identifiers: ClinVar variation 2824588 (VCV002824588.3), dbSNP rs2075579632, ClinGen allele CA400715641.

ClinVar aggregate classification (germline): Uncertain significance (1 of 4 stars; one submission).

Allele frequency attached by ClinVar (database versions not stated): TOPMed below 0.00001.

Submission:

Labcorp Genetics (formerly Invitae), Labcorp
Classification: Uncertain significance. Last evaluated: 2024-10-05. Review status: criteria provided, single submitter. Criteria: Invitae Variant Classification Sherloc (09022015). Collection method: clinical testing. Allele origin: germline.
Comment: This sequence change replaces glycine, which is neutral and non-polar, with serine, which is neutral and polar, at codon 97 of the BPTF protein (p.Gly97Ser). The frequency data for this variant in the population databases is considered unreliable, as metrics indicate insufficient coverage at this position in the gnomAD database. This variant has not been reported in the literature in individuals affected with BPTF-related conditions. Experimental studies and prediction algorithms are not available or were not evaluated, and the functional significance of this variant is currently unknown. In summary, the available evidence is currently insufficient to determine the role of this variant in disease. Therefore, it has been classified as a Variant of Uncertain Significance.